The following is an entry in ClinVar:

ClinVar aggregate classification (germline): Uncertain significance (1 of 4 stars; one submission).

gnomAD v4.1: 55 of 1,546,958 alleles (0.0036%); highest among the groups gnomAD compares: African/African-American, 0.044%; no homozygotes.

Submission:

Dasa
Classification: Uncertain significance. Last evaluated: 2025-11-26. Review status: criteria provided, single submitter. Criteria: DASA Assertion Criteria. Collection method: clinical testing. Allele origin: germline.
Comment: NM_015656.2(KIF26A):c.4049C>T (p.Ala1350Val) is a missense variant that results in the substitution of alanine with valine. This variant is rare in population databases. The currently available literature and clinical evidence are not sufficient to establish a definitive association between this variant and the reported condition. Therefore, this variant is classified as a variant of uncertain significance.

NM_015656.2(KIF26A):c.4049C>T (p.Ala1350Val)

Gene: KIF26A (kinesin family member 26A; plus strand). Cytogenetic location: 14q32.33.
Variant type: single nucleotide variant.
Coding change: c.4049C>T on transcript NM_015656.2 (MANE Select); coding-DNA position 4049, C replaced by T.
Protein change: p.Ala1350Val; replaces alanine 1350 with valine.
Molecular consequence: missense variant.
Genome position (GRCh38, 1-based): chr14:104,176,837, C>T. VCF-style: chr14-104176837-C-T. GRCh37 (hg19) VCF-style: chr14-104643174-C-T.
Other names: short protein forms A1350V.
Identifiers: ClinVar variation 4883004 (VCV004883004.2).